The following is an entry in ClinVar:

NM_018671.5(UNC45A):c.1620C>T (p.Asp540=)

Gene: UNC45A (unc-45 myosin chaperone A; plus strand). Cytogenetic location: 15q26.1.
Variant type: single nucleotide variant.
Coding change: c.1620C>T on transcript NM_018671.5 (MANE Select); coding-DNA position 1620, C replaced by T.
Protein change: p.Asp540=; no amino-acid change (aspartic acid 540 retained).
Molecular consequence: synonymous variant.
Genome position (GRCh38, 1-based): chr15:90,948,166, C>T. VCF-style: chr15-90948166-C-T. GRCh37 (hg19) VCF-style: chr15-91491396-C-T.
Other names: c.1575C>T, p.Asp525= (NM_001039675.2, NM_001323621.2); c.1620C>T, p.Asp540= (NM_001323619.1); c.1185C>T, p.Asp395= (NM_001323620.2).
Identifiers: ClinVar variation 1596609 (VCV001596609.10), dbSNP rs375358237, ClinGen allele CA7742994.

ClinVar aggregate classification (germline): Likely benign. Review status: criteria provided, single submitter (1 of 4 stars). 2 submissions from 2 submitters: Likely benign (1). 1 of the submissions does not count toward it. Last evaluated 2026-01-02.

Conditions:
UNC45A-related disorder. Also called: UNC45A-related condition.

Allele frequency attached by ClinVar (database versions not stated): ESP Exome Variant Server 0.00008; ExAC 0.00009; gnomAD exomes 0.00009; 1000 Genomes Project 0.00020; gnomAD 0.00020 and 0.00021; TOPMed 0.00023; 1000 Genomes Project 30x 0.00031.
gnomAD v4.1: 83 of 1,614,124 alleles (0.0051%); highest among the groups gnomAD compares: African/African-American, 0.049%; 1 homozygote.

Submissions (2):

Labcorp Genetics (formerly Invitae), Labcorp
Classification: Likely benign. Last evaluated: 2026-01-02. Review status: criteria provided, single submitter. Criteria: Invitae Variant Classification Sherloc (09022015). Collection method: clinical testing. Allele origin: germline.

PreventionGenetics, part of Exact Sciences
Classification: Likely benign for UNC45A-related condition. Last evaluated: 2019-04-01. Review status: no assertion criteria provided. Collection method: clinical testing. Allele origin: germline. Not counted in ClinVar's aggregate classification.
Comment: This variant is classified as likely benign based on ACMG/AMP sequence variant interpretation guidelines (Richards et al. 2015 PMID: 25741868, with internal and published modifications).